The following is an entry in ClinVar:

NM_020366.4(RPGRIP1):c.931-3C>G

Gene: RPGRIP1 (RPGR interacting protein 1; plus strand). Cytogenetic location: 14q11.2.
Variant type: single nucleotide variant.
Coding change: c.931-3C>G on transcript NM_020366.4 (MANE Select); 3 bases into the intron before coding-DNA position 931, C replaced by G.
Molecular consequence: intron variant.
Genome position (GRCh38, 1-based): chr14:21,311,821, C>G. VCF-style: chr14-21311821-C-G. GRCh37 (hg19) VCF-style: chr14-21779980-C-G.
Identifiers: ClinVar variation 2019599 (VCV002019599.4), dbSNP rs924743831, ClinGen allele CA257501221.

ClinVar aggregate classification (germline): Uncertain significance (1 of 4 stars; one submission).

Conditions:
Leber congenital amaurosis 6 (LCA6). Identifiers: Orphanet 65, MedGen C1854260, MONDO:0013446, OMIM 613826.
Cone-rod dystrophy 13 (CORD13). Identifiers: Orphanet 1872, MedGen C2750720, MONDO:0011987, OMIM 608194.

Allele frequency attached by ClinVar (database versions not stated): TOPMed below 0.00001.

Submission:

Labcorp Genetics (formerly Invitae), Labcorp
Classification: Uncertain significance for Leber congenital amaurosis 6; Cone-rod dystrophy 13. Last evaluated: 2025-08-11. Review status: criteria provided, single submitter. Criteria: Invitae Variant Classification Sherloc (09022015). Collection method: clinical testing. Allele origin: germline.
Comment: This sequence change falls in intron 7 of the RPGRIP1 gene. It does not directly change the encoded amino acid sequence of the RPGRIP1 protein. It affects a nucleotide within the consensus splice site. This variant is not present in population databases (gnomAD no frequency). This variant has not been reported in the literature in individuals affected with RPGRIP1-related conditions. ClinVar contains an entry for this variant (Variation ID: 2019599). Variants that disrupt the consensus splice site are a relatively common cause of aberrant splicing (PMID: 17576681, 9536098). Algorithms developed to predict the effect of sequence changes on RNA splicing suggest that this variant may disrupt the consensus splice site. In summary, the available evidence is currently insufficient to determine the role of this variant in disease. Therefore, it has been classified as a Variant of Uncertain Significance.

Literature cited by the submitters: PubMed 17576681; PubMed 9536098.